The following is an entry in ClinVar:

NM_001042492.3(NF1):c.663G>A (p.Trp221Ter)

Gene: NF1 (neurofibromin 1; plus strand). Cytogenetic location: 17q11.2.
Variant type: single nucleotide variant.
Coding change: c.663G>A on transcript NM_001042492.3 (MANE Select); coding-DNA position 663, G replaced by A.
Protein change: p.Trp221Ter; replaces tryptophan 221 with a stop codon.
Molecular consequence: nonsense.
Genome position (GRCh38, 1-based): chr17:31,181,718, G>A. VCF-style: chr17-31181718-G-A. GRCh37 (hg19) VCF-style: chr17-29508736-G-A.
Other names: c.663G>A, p.Trp221Ter (NM_000267.4, NM_001128147.3); short protein forms W221*.
Identifiers: ClinVar variation 484076 (VCV000484076.7), dbSNP rs1555608737, ClinGen allele CA398989675.

ClinVar aggregate classification (germline): Pathogenic. Review status: criteria provided, multiple submitters, no conflicts (2 of 4 stars). 2 submissions from 2 submitters: Pathogenic (2). Last evaluated 2026-04-14.

Conditions:
Cardiovascular phenotype. Identifiers: MedGen CN230736.
Hereditary cancer-predisposing syndrome. Also called: Tumor predisposition; Hereditary neoplastic syndrome; Neoplastic Syndromes, Hereditary; Hereditary Cancer Syndrome. Identifiers: Orphanet 140162, MedGen C0027672, MeSH D009386, MONDO:0015356.

Submissions (2):

GeneDx
Classification: Pathogenic. Last evaluated: 2026-04-14. Review status: criteria provided, single submitter. Criteria: GeneDx Variant Classification Process June 2021. Collection method: clinical testing. Allele origin: germline.
Comment: Nonsense variant predicted to result in protein truncation or nonsense mediated decay in a gene for which loss of function is a known mechanism of disease; Not observed at significant frequency in large population cohorts (gnomAD); This variant is associated with the following publications: (PMID: 40169570, 22155606, 23656349, 30530636, 32427313)

Ambry Genetics
Classification: Pathogenic for Cardiovascular phenotype; Hereditary cancer-predisposing syndrome. Last evaluated: 2024-02-14. Review status: criteria provided, single submitter. Criteria: Ambry Variant Classification Scheme 2023. Collection method: clinical testing. Allele origin: germline.
Comment: The p.W221* pathogenic mutation (also known as c.663G>A), located in coding exon 7 of the NF1 gene, results from a G to A substitution at nucleotide position 663. This changes the amino acid from a tryptophan to a stop codon within coding exon 7. This mutation has been reported in an individual with features of neurofibromatosis type 1 (NF1) (Laycock-van Spyk S et al. Hum. Genomics, 2011 Oct;5:623-90). This variant is considered to be rare based on population cohorts in the Genome Aggregation Database (gnomAD). In addition to the clinical data presented in the literature, this alteration is expected to result in loss of function by premature protein truncation or nonsense-mediated mRNA decay. As such, this alteration is interpreted as a disease-causing mutation.